The following is an entry in ClinVar:

ClinVar aggregate classification (germline): Uncertain significance. Review status: criteria provided, multiple submitters, no conflicts (2 of 4 stars). 2 submissions from 2 submitters: Uncertain significance (2). Last evaluated 2025-07-22.

Conditions:
Inborn genetic diseases. Identifiers: MedGen C0950123, MeSH D030342.

Allele frequency attached by ClinVar (database versions not stated): gnomAD 0.00001; ExAC 0.00002; TOPMed below 0.00001.
gnomAD v4.1: 4 of 1,611,092 alleles (0.00025%); highest among the groups gnomAD compares: Non-Finnish European, 0.00034%; no homozygotes.

Submissions (2):

Labcorp Genetics (formerly Invitae), Labcorp
Classification: Uncertain significance. Last evaluated: 2025-07-22. Review status: criteria provided, single submitter. Criteria: Invitae Variant Classification Sherloc (09022015). Collection method: clinical testing. Allele origin: germline.
Comment: This sequence change replaces arginine, which is basic and polar, with serine, which is neutral and polar, at codon 1206 of the ANKRD26 protein (p.Arg1206Ser). This variant is present in population databases (rs753271920, gnomAD 0.002%). This variant has not been reported in the literature in individuals affected with ANKRD26-related conditions. ClinVar contains an entry for this variant (Variation ID: 3021075). An algorithm developed to predict the effect of missense changes on protein structure and function (PolyPhen-2) suggests that this variant is likely to be disruptive. In summary, the available evidence is currently insufficient to determine the role of this variant in disease. Therefore, it has been classified as a Variant of Uncertain Significance.

Ambry Genetics
Classification: Uncertain significance for Inborn genetic diseases. Last evaluated: 2025-01-06. Review status: criteria provided, single submitter. Criteria: Ambry Variant Classification Scheme 2023. Collection method: clinical testing. Allele origin: germline.
Comment: The p.R1206S variant (also known as c.3618A>C), located in coding exon 24 of the ANKRD26 gene, results from an A to C substitution at nucleotide position 3618. The arginine at codon 1206 is replaced by serine, an amino acid with dissimilar properties. This amino acid position is conserved. In addition, this alteration is predicted to be tolerated by in silico analysis. Based on the available evidence, the clinical significance of this variant remains unclear.

NM_014915.3(ANKRD26):c.3618A>C (p.Arg1206Ser)

Gene: ANKRD26 (ankyrin repeat domain 26; minus strand). Cytogenetic location: 10p12.1.
Variant type: single nucleotide variant.
Coding change: c.3618A>C on transcript NM_014915.3 (MANE Select); coding-DNA position 3618, A replaced by C.
Protein change: p.Arg1206Ser; replaces arginine 1206 with serine.
Molecular consequence: missense variant.
Genome position (GRCh38, 1-based): chr10:27,034,832, T>G on the plus strand (A>C on the coding strand, the complement: ANKRD26 is on the minus strand). VCF-style: chr10-27034832-T-G. GRCh37 (hg19) VCF-style: chr10-27323761-T-G.
Other names: c.3615A>C, p.Arg1205Ser (NM_001256053.2); short protein forms R1206S, R1205S.
Identifiers: ClinVar variation 3021075 (VCV003021075.4), dbSNP rs753271920, ClinGen allele CA5448010.